The following is an entry in ClinVar:

ClinVar aggregate classification (germline): Likely benign (1 of 4 stars; one submission).

Allele frequency attached by ClinVar (database versions not stated): gnomAD exomes below 0.00001; TOPMed below 0.00001; gnomAD 0.00001.
gnomAD v4.1: 2 of 399,086 alleles (0.0005%); highest among the groups gnomAD compares: Non-Finnish European, 0.00088%; no homozygotes.

Submission:

CeGaT Center for Human Genetics Tuebingen
Classification: Likely benign. Last evaluated: 2023-01-01. Review status: criteria provided, single submitter. Criteria: CeGaT Center For Human Genetics Tuebingen Variant Classification Criteria Version 2. Collection method: clinical testing. Allele origin: germline. Affected: yes. Observed: 2 variant alleles.
Comment: GLUL: BP4, BP7

NM_001033044.4(GLUL):c.-14+850G>A

Gene: GLUL (glutamate-ammonia ligase; minus strand). Cytogenetic location: 1q25.3.
Variant type: single nucleotide variant.
Coding change: c.-14+850G>A on transcript NM_001033044.4 (MANE Select); 850 bases into the intron after 14 bases upstream of the start codon, G replaced by A.
Molecular consequence: intron variant. On other transcripts: 5 prime UTR variant (1).
Genome position (GRCh38, 1-based): chr1:182,390,829, C>T on the plus strand (G>A on the coding strand, the complement: GLUL is on the minus strand). VCF-style: chr1-182390829-C-T. GRCh37 (hg19) VCF-style: chr1-182359964-C-T.
Other names: c.-346G>A (NM_002065.7); c.-14+346G>A (NM_001033056.4).
Identifiers: ClinVar variation 2639617 (VCV002639617.24), dbSNP rs964929669, ClinGen allele CA33835627.